The following is an entry in ClinVar:

ClinVar aggregate classification (germline): Uncertain significance. Review status: criteria provided, multiple submitters, no conflicts (2 of 4 stars). 2 submissions from 2 submitters: Uncertain significance (2). Last evaluated 2026-07-30.

Conditions:
Melnick-Needles syndrome (MNS). Also called: MELNICK-NEEDLES OSTEODYSPLASTY; OSTEODYSPLASTY OF MELNICK AND NEEDLES; Melnick-Needles Syndrome (FLNA-MNS). Identifiers: Orphanet 2484, MedGen C0025237, MONDO:0010650, OMIM 309350.
Oto-palato-digital syndrome, type II (OPD2). Also called: FACIOPALATOOSSEOUS SYNDROME; OPD II SYNDROME; Otopalatodigital Syndrome, Type II; Otopalatodigital Syndrome Type 2 (FLNA-OPD2). Identifiers: Orphanet 669, Orphanet 90652, MedGen C1844696, MONDO:0010571, OMIM 304120.
Heterotopia, periventricular, X-linked dominant (PVNH1). Also called: PERIVENTRICULAR NODULAR HETEROTOPIA 1; X-linked periventricular heterotopia; PERIVENTRICULAR NODULAR HETEROTOPIA 4; HETEROTOPIA, PERIVENTRICULAR, 1. Identifiers: Orphanet 2149, Orphanet 82004, MedGen C1848213, MONDO:0010233, OMIM 300049.
Frontometaphyseal dysplasia (FMD1). Identifiers: Orphanet 1826, MedGen C0265293, MONDO:0015942.

Allele frequency attached by ClinVar (database versions not stated): gnomAD 0.00001; TOPMed 0.00001.
gnomAD v4.1: 4 of 1,210,581 alleles (0.00033%); highest among the groups gnomAD compares: Non-Finnish European, 0.00045%; no homozygotes.

Submissions (2):

GeneDx
Classification: Uncertain significance. Last evaluated: 2026-07-30. Review status: criteria provided, single submitter. Criteria: GeneDx Variant Classification Process June 2021. Collection method: clinical testing. Allele origin: germline.
Comment: Not observed at significant frequency in large population cohorts (gnomAD); In silico analysis suggests that this missense variant does not alter protein structure/function; Has not been previously published as pathogenic or benign to our knowledge

Labcorp Genetics (formerly Invitae), Labcorp
Classification: Uncertain significance for Oto-palato-digital syndrome, type II; Heterotopia, periventricular, X-linked dominant; Frontometaphyseal dysplasia; Melnick-Needles syndrome. Last evaluated: 2025-02-09. Review status: criteria provided, single submitter. Criteria: Invitae Variant Classification Sherloc (09022015). Collection method: clinical testing. Allele origin: germline.
Comment: This sequence change replaces lysine, which is basic and polar, with methionine, which is neutral and non-polar, at codon 531 of the FLNA protein (p.Lys531Met). This variant is not present in population databases (gnomAD no frequency). This variant has not been reported in the literature in individuals affected with FLNA-related conditions. ClinVar contains an entry for this variant (Variation ID: 1312417). Invitae Evidence Modeling of protein sequence and biophysical properties (such as structural, functional, and spatial information, amino acid conservation, physicochemical variation, residue mobility, and thermodynamic stability) indicates that this missense variant is not expected to disrupt FLNA protein function with a negative predictive value of 95%. In summary, the available evidence is currently insufficient to determine the role of this variant in disease. Therefore, it has been classified as a Variant of Uncertain Significance.

NM_001110556.2(FLNA):c.1592A>T (p.Lys531Met)

Gene: FLNA (filamin A; minus strand). Cytogenetic location: Xq28.
Variant type: single nucleotide variant.
Coding change: c.1592A>T on transcript NM_001110556.2 (MANE Select); coding-DNA position 1592, A replaced by T.
Protein change: p.Lys531Met; replaces lysine 531 with methionine.
Molecular consequence: missense variant.
Genome position (GRCh38, 1-based): chrX:154,365,235, T>A on the plus strand (A>T on the coding strand, the complement: FLNA is on the minus strand). VCF-style: chrX-154365235-T-A. GRCh37 (hg19) VCF-style: chrX-153593603-T-A.
Other names: c.1592A>T, p.Lys531Met (NM_001456.4); short protein forms K531M.
Identifiers: ClinVar variation 1312417 (VCV001312417.5), dbSNP rs2067748327, ClinGen allele CA415243230.